The following is an entry in ClinVar:

ClinVar aggregate classification (germline): Conflicting classifications of pathogenicity. Review status: criteria provided, conflicting classifications (1 of 4 stars). 2 submissions from 2 submitters: Uncertain significance (1); Likely benign (1). Last evaluated 2026-02-01.

Conditions:
Rubinstein-Taybi syndrome (RSTS). Identifiers: Orphanet 783, MedGen C0035934, MONDO:0019188.

Allele frequency attached by ClinVar (database versions not stated): gnomAD exomes below 0.00001.
gnomAD v4.1: 3 of 1,614,006 alleles (0.00019%); highest among the groups gnomAD compares: Middle Eastern, 0.016%; no homozygotes.

Submissions (2):

CeGaT Center for Human Genetics Tuebingen
Classification: Uncertain significance. Last evaluated: 2026-02-01. Review status: criteria provided, single submitter. Criteria: CeGaT Center For Human Genetics Tuebingen Variant Classification Criteria Version 2. Collection method: clinical testing. Allele origin: germline. Affected: yes. Observed: 1 variant allele.
Comment: CREBBP: PP2, BP4

Labcorp Genetics (formerly Invitae), Labcorp
Classification: Likely benign for Rubinstein-Taybi syndrome. Last evaluated: 2022-05-06. Review status: criteria provided, single submitter. Criteria: Invitae Variant Classification Sherloc (09022015). Collection method: clinical testing. Allele origin: germline.

NM_004380.3(CREBBP):c.6478G>A (p.Ala2160Thr)

Gene: CREBBP (CREB binding lysine acetyltransferase; minus strand). Cytogenetic location: 16p13.3.
Variant type: single nucleotide variant.
Coding change: c.6478G>A on transcript NM_004380.3 (MANE Select); coding-DNA position 6478, G replaced by A.
Protein change: p.Ala2160Thr; replaces alanine 2160 with threonine.
Molecular consequence: missense variant.
Genome position (GRCh38, 1-based): chr16:3,728,569, C>T on the plus strand (G>A on the coding strand, the complement: CREBBP is on the minus strand). VCF-style: chr16-3728569-C-T. GRCh37 (hg19) VCF-style: chr16-3778570-C-T.
Other names: c.6364G>A, p.Ala2122Thr (NM_001079846.1); short protein forms A2160T, A2122T.
Identifiers: ClinVar variation 1970001 (VCV001970001.29), dbSNP rs1213106224, ClinGen allele CA394552628.